The following is an entry in ClinVar:

NM_006516.4(SLC2A1):c.109C>T (p.Gln37Ter)

Gene: SLC2A1 (solute carrier family 2 member 1; minus strand). Cytogenetic location: 1p34.2.
Variant type: single nucleotide variant.
Coding change: c.109C>T on transcript NM_006516.4 (MANE Select); coding-DNA position 109, C replaced by T.
Protein change: p.Gln37Ter; replaces glutamine 37 with a stop codon.
Molecular consequence: nonsense.
Genome position (GRCh38, 1-based): chr1:42,943,231, G>A on the plus strand (C>T on the coding strand, the complement: SLC2A1 is on the minus strand). VCF-style: chr1-42943231-G-A. GRCh37 (hg19) VCF-style: chr1-43408902-G-A.
Other names: short protein forms Q37*.
Identifiers: ClinVar variation 4057276 (VCV004057276.1).

ClinVar aggregate classification (germline): Pathogenic (1 of 4 stars; one submission).

Conditions:
Encephalopathy due to GLUT1 deficiency. Also called: GLUCOSE TRANSPORT DEFECT, BLOOD-BRAIN BARRIER; De Vivo disease; Glucose transporter protein syndrome; GLUT1 deficiency syndrome 1; GLUT1 deficiency syndrome 1, infantile onset, severe; Classic Glucose Transporter Type 1 Deficiency Syndrome. Identifiers: Orphanet 71277, MedGen C4551966, MONDO:0011724, OMIM 606777.

Submission:

Diagnostics Services (NGS), CSIR - Centre For Cellular And Molecular Biology
Classification: Pathogenic for Encephalopathy due to GLUT1 deficiency. Last evaluated: 2025-05-21. Review status: criteria provided, single submitter. Criteria: ACMG Guidelines, 2015. Collection method: clinical testing. Allele origin: unknown. Observed: 1 variant allele, 1 heterozygote.
Comment: The c.109C>T variant is not present in publicly available population databases like 1000 Genomes, EVS, gnomAD, Indian Exome Database or our internal database. This variant has been previously observed in individuals affected with SLC2A1-related conditions [PMID: 24413642] and reported to the Human Gene Mutation Database (HGMD: CM1111193). In-silico pathogenicity prediction programs like MutationTaster2021, CADD, Franklin, Varsome, InterVar etc predicted this variant to be likely deleterious. This variant creates a premature translational stop signal at the 37th amino acid position of the wild-type transcript that may either result in translation of a truncated protein or cause nonsense mediated decay of the mRNA.

Literature cited by the submitters: PubMed 24413642.